The following is an entry in ClinVar:

NM_001105206.3(LAMA4):c.3253_3256dup (p.Gly1086fs)

Gene: LAMA4 (laminin subunit alpha 4; minus strand). Cytogenetic location: 6q21.
Variant type: Duplication.
Coding change: c.3253_3256dup on transcript NM_001105206.3 (MANE Select); coding-DNA positions 3253 to 3256, 4 bases duplicated (AACG; older notation c.3253_3256dupAACG).
Protein change: p.Gly1086fs; shifts the reading frame from glycine 1086.
Molecular consequence: frameshift variant.
Genome position (GRCh38, 1-based): chr6:112,139,146-112,139,149, CGTT duplicated on the plus strand (AACG on the coding strand, the reverse complement: LAMA4 is on the minus strand). VCF-style (leftmost placement, unchanged base first): chr6-112139145-C-CCGTT. GRCh37 (hg19) VCF-style: chr6-112460347-C-CCGTT.
Other names: c.3232_3235dup, p.Gly1079fs (NM_001105207.3, NM_002290.5); short protein forms G1079fs, G1086fs.
Identifiers: ClinVar variation 3372642 (VCV003372642.1).
Genomic context (GRCh38, chr6:112,139,145, plus strand): 5'-AAAGGAGAAGTAGTAGGACTTGTATTTTTACTCACTCCATTGACCATCAGGAGAATAAGG[C>CCGTT]CGTTGTCAGCTGGTGTTCGAACTTCTATGTCAAAGCGAGTCACCTGACCAAATTTCCCTC-3'

ClinVar aggregate classification (germline): Uncertain significance (1 of 4 stars; one submission).

Submission:

GeneDx
Classification: Uncertain significance. Last evaluated: 2024-04-18. Review status: criteria provided, single submitter. Criteria: GeneDx Variant Classification Process June 2021. Collection method: clinical testing. Allele origin: germline. Affected: yes.
Comment: Has not been previously published as pathogenic or benign to our knowledge; Not observed at significant frequency in large population cohorts (gnomAD); Frameshift variant predicted to result in protein truncation or nonsense mediated decay in a gene or region of a gene for which loss of function is not a well-established mechanism of disease